The following is an entry in ClinVar:

NM_001089.3(ABCA3):c.3505G>A (p.Val1169Met)

Gene: ABCA3 (ATP binding cassette subfamily A member 3; minus strand). Cytogenetic location: 16p13.3.
Variant type: single nucleotide variant.
Coding change: c.3505G>A on transcript NM_001089.3 (MANE Select); coding-DNA position 3505, G replaced by A.
Protein change: p.Val1169Met; replaces valine 1169 with methionine.
Molecular consequence: missense variant.
Genome position (GRCh38, 1-based): chr16:2,284,977, C>T on the plus strand (G>A on the coding strand, the complement: ABCA3 is on the minus strand). VCF-style: chr16-2284977-C-T. GRCh37 (hg19) VCF-style: chr16-2334978-C-T.
Other names: c.3505G>A (NM_001089.2); short protein forms V1169M.
Identifiers: ClinVar variation 1409802 (VCV001409802.10), dbSNP rs546091864, ClinGen allele CA7840477.

ClinVar aggregate classification (germline): Conflicting classifications of pathogenicity. Review status: criteria provided, conflicting classifications (1 of 4 stars). 4 submissions from 4 submitters: Uncertain significance (2); Likely benign (2). Last evaluated 2026-07-09.

Conditions:
ABCA3-related disorder. Also called: ABCA3-related condition.
Interstitial lung disease due to ABCA3 deficiency. Also called: PULMONARY ALVEOLAR PROTEINOSIS, CONGENITAL, 3. Identifiers: Orphanet 440402, MedGen C1970456, MONDO:0012582, OMIM 610921.
Hereditary pulmonary alveolar proteinosis. Also called: Pulmonary surfactant metabolism dysfunction. Identifiers: Orphanet 264675, MedGen C3711368, MONDO:0012580.

Allele frequency attached by ClinVar (database versions not stated): 1000 Genomes Project 30x 0.00016; 1000 Genomes Project 0.00020; gnomAD exomes 0.00024; ExAC 0.00025.
gnomAD v4.1: 169 of 1,613,490 alleles (0.01%); highest among the groups gnomAD compares: South Asian, 0.16%; 1 homozygote.

Submissions (4):

PreventionGenetics, part of Exact Sciences
Classification: Likely benign for ABCA3-related condition. Last evaluated: 2026-07-09. Review status: criteria provided, single submitter. Criteria: ACMG Guidelines, 2015. Collection method: clinical testing. Allele origin: germline.
Comment: This variant is classified as likely benign based on ACMG/AMP sequence variant interpretation guidelines (Richards et al. 2015 PMID: 25741868, with internal and published modifications).

Ambry Genetics
Classification: Likely benign for Hereditary pulmonary alveolar proteinosis. Last evaluated: 2025-11-25. Review status: criteria provided, single submitter. Criteria: Ambry Variant Classification Scheme 2023. Collection method: clinical testing. Allele origin: germline.

Revvity Omics, Revvity
Classification: Uncertain significance for Interstitial lung disease due to ABCA3 deficiency. Last evaluated: 2023-11-06. Review status: criteria provided, single submitter. Criteria: ACMG Guidelines, 2015. Collection method: clinical testing. Allele origin: germline.

Labcorp Genetics (formerly Invitae), Labcorp
Classification: Uncertain significance. Last evaluated: 2022-09-21. Review status: criteria provided, single submitter. Criteria: Invitae Variant Classification Sherloc (09022015). Collection method: clinical testing. Allele origin: germline.
Comment: This sequence change replaces valine, which is neutral and non-polar, with methionine, which is neutral and non-polar, at codon 1169 of the ABCA3 protein (p.Val1169Met). This variant is present in population databases (rs546091864, gnomAD 0.2%). This variant has not been reported in the literature in individuals affected with ABCA3-related conditions. ClinVar contains an entry for this variant (Variation ID: 1409802). Advanced modeling of protein sequence and biophysical properties (such as structural, functional, and spatial information, amino acid conservation, physicochemical variation, residue mobility, and thermodynamic stability) performed at Invitae indicates that this missense variant is not expected to disrupt ABCA3 protein function. In summary, the available evidence is currently insufficient to determine the role of this variant in disease. Therefore, it has been classified as a Variant of Uncertain Significance.